The following is an entry in ClinVar:

NM_002069.6(GNAI1):c.731A>G (p.His244Arg)

Gene: GNAI1 (G protein subunit alpha i1; plus strand). Cytogenetic location: 7q21.11.
Variant type: single nucleotide variant.
Coding change: c.731A>G on transcript NM_002069.6 (MANE Select); coding-DNA position 731, A replaced by G.
Protein change: p.His244Arg; replaces histidine 244 with arginine.
Molecular consequence: missense variant.
Genome position (GRCh38, 1-based): chr7:80,212,726, A>G. VCF-style: chr7-80212726-A-G. GRCh37 (hg19) VCF-style: chr7-79842042-A-G.
Other names: c.575A>G, p.His192Arg (NM_001256414.2); short protein forms H192R, H244R.
Identifiers: ClinVar variation 4975652 (VCV004975652.1).

ClinVar aggregate classification (germline): Uncertain significance (1 of 4 stars; one submission).

gnomAD v4.1: 2 of 1,534,220 alleles (0.00013%); highest among the groups gnomAD compares: Non-Finnish European, 0.00017%; no homozygotes.

Submission:

GeneDx
Classification: Uncertain significance. Last evaluated: 2026-01-25. Review status: criteria provided, single submitter. Criteria: GeneDx Variant Classification Process June 2021. Collection method: clinical testing. Allele origin: germline.
Comment: Not observed at significant frequency in large population cohorts (gnomAD); In silico analysis supports that this missense variant has a deleterious effect on protein structure/function; Has not been previously published as pathogenic or benign to our knowledge